The following is an entry in ClinVar:

NM_178857.6(RP1L1):c.4020A>G (p.Glu1340=)

Gene: RP1L1 (RP1 like 1). Cytogenetic location: 8p23.1.
Variant type: single nucleotide variant.
Coding change: c.4020A>G on transcript NM_178857.6 (MANE Select); coding-DNA position 4020, A replaced by G.
Protein change: p.Glu1340=; no amino-acid change (glutamic acid 1340 retained).
Molecular consequence: synonymous variant.
Genome position (GRCh38, 1-based): chr8:10,610,078, T>C on the plus strand (A>G on the coding strand, the complement: RP1L1 is on the minus strand). VCF-style: chr8-10610078-T-C. GRCh37 (hg19) VCF-style: chr8-10467588-T-C.
Identifiers: ClinVar variation 361291 (VCV000361291.10), dbSNP rs78920388, ClinGen allele CA4624208.

ClinVar aggregate classification (germline): Benign. Review status: criteria provided, multiple submitters, no conflicts (2 of 4 stars). 4 submissions from 4 submitters: Benign (4). Last evaluated 2024-11-27.

Conditions:
Occult macular dystrophy (OCMD). Also called: OMD; OCCULT MACULAR DYSTROPHY, SUSCEPTIBILITY TO. Identifiers: Orphanet 247834, MedGen C3150833, MONDO:0013316, OMIM 613587, HP:0030636.

Allele frequency attached by ClinVar (database versions not stated): gnomAD 0.14159 and 0.14210; gnomAD exomes 0.14778; ExAC 0.20278.
gnomAD v4.1: 45,479 of 1,034,872 alleles (4.4%); highest among the groups gnomAD compares: Admixed American, 18%; 2,475 homozygotes.

Submissions (4):

Blueprint Genetics
Classification: Benign. Last evaluated: 2024-11-27. Review status: criteria provided, single submitter. Criteria: ACMG Guidelines, 2015. Collection method: clinical testing. Allele origin: germline.

GeneDx
Classification: Benign. Last evaluated: 2018-08-16. Review status: criteria provided, single submitter. Criteria: GeneDx Variant Classification Process June 2021. Collection method: clinical testing. Allele origin: germline. Affected: yes.

Illumina Laboratory Services, Illumina
Classification: Benign for Occult macular dystrophy. Last evaluated: 2018-01-13. Review status: criteria provided, single submitter. Criteria: ICSL Variant Classification Criteria 13 December 2019. Collection method: clinical testing. Allele origin: germline.
Comment: This variant was observed in the ICSL laboratory as part of a predisposition screen in an ostensibly healthy population. It had not been previously curated by ICSL or reported in the Human Gene Mutation Database (HGMD: prior to June 1st, 2018), and was therefore a candidate for classification through an automated scoring system. Utilizing variant allele frequency, disease prevalence and penetrance estimates, and inheritance mode, an automated score was calculated to assess if this variant is too frequent to cause the disease. Based on the score and internal cut-off values, a variant classified as benign is not then subjected to further curation. The score for this variant resulted in a classification of benign for this disease.

Breakthrough Genomics
Classification: Benign. Review status: criteria provided, single submitter. Criteria: ACMG Guidelines, 2015. Collection method: not provided. Allele origin: germline. Inheritance: Autosomal recessive inheritance. Affected: yes.